The following is an entry in ClinVar:

ClinVar aggregate classification (germline): Uncertain significance (1 of 4 stars; one submission).

Conditions:
TTC8-related disorder. Also called: TTC8-related condition.

gnomAD v4.1: 1 of 1,609,024 alleles (0.000062%); highest among the groups gnomAD compares: Non-Finnish European, 0.000085%; no homozygotes.

Submission:

PreventionGenetics, part of Exact Sciences
Classification: Uncertain significance for TTC8-related condition. Last evaluated: 2025-05-22. Review status: criteria provided, single submitter. Criteria: ACMG Guidelines, 2015. Collection method: clinical testing. Allele origin: germline.
Comment: The TTC8 c.13A>C variant is predicted to result in the amino acid substitution p.Met5Leu. To our knowledge, this variant has not been reported in the literature or in a large population database (gnomAD), indicating this variant is rare. At this time, the clinical significance of this variant is uncertain due to the absence of conclusive functional and genetic evidence.

NM_144596.4(TTC8):c.13A>C (p.Met5Leu)

Gene: TTC8 (tetratricopeptide repeat domain 8; plus strand). Cytogenetic location: 14q31.3.
Variant type: single nucleotide variant.
Coding change: c.13A>C on transcript NM_144596.4 (MANE Select); coding-DNA position 13, A replaced by C.
Protein change: p.Met5Leu; replaces methionine 5 with leucine.
Molecular consequence: missense variant. On other transcripts: 5 prime UTR variant (2), non-coding transcript variant (1).
Genome position (GRCh38, 1-based): chr14:88,824,720, A>C. VCF-style: chr14-88824720-A-C. GRCh37 (hg19) VCF-style: chr14-89291064-A-C.
Other names: c.13A>C, p.Met5Leu (NM_001288781.1, NM_001366535.2, NM_001366536.2 and 2 more transcripts); c.-550A>C (NM_001288782.1); c.-645A>C (NM_001288783.1); short protein forms M5L.
Identifiers: ClinVar variation 4999386 (VCV004999386.1).